The following is an entry in ClinVar:

NM_203447.4(DOCK8):c.4832T>G (p.Val1611Gly)

Gene: DOCK8 (dedicator of cytokinesis 8; plus strand). Cytogenetic location: 9p24.3.
Variant type: single nucleotide variant.
Coding change: c.4832T>G on transcript NM_203447.4 (MANE Select); coding-DNA position 4832, T replaced by G.
Protein change: p.Val1611Gly; replaces valine 1611 with glycine.
Molecular consequence: missense variant.
Genome position (GRCh38, 1-based): chr9:433,921, T>G. VCF-style: chr9-433921-T-G. GRCh37 (hg19) VCF-style: chr9-433921-T-G.
Other names: c.4532T>G, p.Val1511Gly (NM_001190458.2); c.4628T>G, p.Val1543Gly (NM_001193536.2); short protein forms V1543G, V1611G, V1511G.
Identifiers: ClinVar variation 1408319 (VCV001408319.4), dbSNP rs776344294, ClinGen allele CA4959226.

ClinVar aggregate classification (germline): Uncertain significance (1 of 4 stars; one submission).

Conditions:
Hyper-IgE recurrent infection syndrome 3, autosomal recessive. Also called: Autosomal recessive hyper-IgE syndrome due to ZNF341 deficiency; HYPER-IgE SYNDROME 3, AUTOSOMAL RECESSIVE, WITH RECURRENT INFECTIONS. Identifiers: Orphanet 641368, MedGen C4748969, MONDO:0032654, OMIM 618282.

Allele frequency attached by ClinVar (database versions not stated): TOPMed below 0.00001; ExAC 0.00001; gnomAD exomes 0.00001 and below 0.00001.
gnomAD v4.1: 7 of 1,614,128 alleles (0.00043%); highest among the groups gnomAD compares: Non-Finnish European, 0.00059%; no homozygotes.

Submission:

Labcorp Genetics (formerly Invitae), Labcorp
Classification: Uncertain significance for Combined immunodeficiency due to DOCK8 deficiency. Last evaluated: 2023-12-07. Review status: criteria provided, single submitter. Criteria: Invitae Variant Classification Sherloc (09022015). Collection method: clinical testing. Allele origin: germline.
Comment: This sequence change replaces valine, which is neutral and non-polar, with glycine, which is neutral and non-polar, at codon 1611 of the DOCK8 protein (p.Val1611Gly). This variant is present in population databases (rs776344294, gnomAD 0.003%). This variant has not been reported in the literature in individuals affected with DOCK8-related conditions. ClinVar contains an entry for this variant (Variation ID: 1408319). Advanced modeling of protein sequence and biophysical properties (such as structural, functional, and spatial information, amino acid conservation, physicochemical variation, residue mobility, and thermodynamic stability) performed at Invitae indicates that this missense variant is expected to disrupt DOCK8 protein function with a positive predictive value of 80%. In summary, the available evidence is currently insufficient to determine the role of this variant in disease. Therefore, it has been classified as a Variant of Uncertain Significance.